The following is an entry in ClinVar:

NM_001687.5(ATP5F1D):c.334G>A (p.Val112Met)

Gene: ATP5F1D (ATP synthase F1 subunit delta; plus strand). Cytogenetic location: 19p13.3.
Variant type: single nucleotide variant.
Coding change: c.334G>A on transcript NM_001687.5 (MANE Select); coding-DNA position 334, G replaced by A.
Protein change: p.Val112Met; replaces valine 112 with methionine.
Molecular consequence: missense variant.
Genome position (GRCh38, 1-based): chr19:1,244,135, G>A. VCF-style: chr19-1244135-G-A. GRCh37 (hg19) VCF-style: chr19-1244134-G-A.
Other names: c.334G>A, p.Val112Met (NM_001001975.2); short protein forms V112M.
Identifiers: ClinVar variation 4698129 (VCV004698129.1).

ClinVar aggregate classification (germline): Uncertain significance (1 of 4 stars; one submission).

gnomAD v4.1: 2 of 1,612,376 alleles (0.00012%); highest among the groups gnomAD compares: Non-Finnish European, 0.00017%; no homozygotes.

Submission:

Labcorp Genetics (formerly Invitae), Labcorp
Classification: Uncertain significance. Last evaluated: 2025-12-17. Review status: criteria provided, single submitter. Criteria: Invitae Variant Classification Sherloc (09022015). Collection method: clinical testing. Allele origin: germline.
Comment: This sequence change replaces valine, which is neutral and non-polar, with methionine, which is neutral and non-polar, at codon 112 of the ATP5D protein (p.Val112Met). The frequency data for this variant in the population databases is considered unreliable, as metrics indicate poor data quality at this position in the gnomAD database. This variant has not been reported in the literature in individuals affected with ATP5D-related conditions. An algorithm developed to predict the effect of missense changes on protein structure and function (PolyPhen-2) suggests that this variant is likely to be disruptive. In summary, the available evidence is currently insufficient to determine the role of this variant in disease. Therefore, it has been classified as a Variant of Uncertain Significance.